The following is an entry in ClinVar:

NM_001384140.1(PCDH15):c.2436T>G (p.Ile812Met)

Gene: PCDH15 (protocadherin related 15; minus strand). Cytogenetic location: 10q21.1.
Variant type: single nucleotide variant.
Coding change: c.2436T>G on transcript NM_001384140.1 (MANE Select); coding-DNA position 2436, T replaced by G.
Protein change: p.Ile812Met; replaces isoleucine 812 with methionine.
Molecular consequence: missense variant.
Genome position (GRCh38, 1-based): chr10:54,022,982, A>C on the plus strand (T>G on the coding strand, the complement: PCDH15 is on the minus strand). VCF-style: chr10-54022982-A-C. GRCh37 (hg19) VCF-style: chr10-55782742-A-C.
Other names: c.2451T>G, p.Ile817Met (NM_001142763.2, NM_001142771.2); c.2436T>G, p.Ile812Met (NM_001142764.2, NM_001142766.2, NM_001142770.3 and 5 more transcripts); c.2223T>G, p.Ile741Met (NM_001142765.2); c.2325T>G, p.Ile775Met (NM_001142767.2); c.2370T>G, p.Ile790Met (NM_001142768.2, NM_001142773.2, NM_001354404.2); c.2472T>G, p.Ile824Met (NM_001142769.4); c.2457T>G, p.Ile819Met (NM_001354411.2); short protein forms I741M, I775M, I790M, I812M, I817M, I819M, I824M.
Identifiers: ClinVar variation 1699726 (VCV001699726.2), dbSNP rs1448817998, ClinGen allele CA376523307.

ClinVar aggregate classification (germline): Uncertain significance (1 of 4 stars; one submission).

Allele frequency attached by ClinVar (database versions not stated): gnomAD exomes below 0.00001 and 0.00001; TOPMed 0.00001.
gnomAD v4.1: 3 of 1,613,972 alleles (0.00019%); highest among the groups gnomAD compares: Admixed American, 0.0033%; no homozygotes.

Submission:

GeneDx
Classification: Uncertain significance. Last evaluated: 2022-01-20. Review status: criteria provided, single submitter. Criteria: GeneDx Variant Classification Process June 2021. Collection method: clinical testing. Allele origin: germline. Affected: yes.
Comment: Not observed at significant frequency in large population cohorts (gnomAD); In silico analysis supports that this missense variant does not alter protein structure/function; Has not been previously published as pathogenic or benign to our knowledge